The following is an entry in ClinVar:

ClinVar aggregate classification (germline): Uncertain significance (1 of 4 stars; one submission).

Conditions:
Autoimmune lymphoproliferative syndrome type 1. Also called: AUTOIMMUNE LYMPHOPROLIFERATIVE SYNDROME, TYPE I, AUTOSOMAL DOMINANT. Identifiers: Orphanet 3261, MedGen C2717884, MONDO:0011158, OMIM 601859.

Submission:

Labcorp Genetics (formerly Invitae), Labcorp
Classification: Uncertain significance for Autoimmune lymphoproliferative syndrome. Last evaluated: 2024-03-13. Review status: criteria provided, single submitter. Criteria: Invitae Variant Classification Sherloc (09022015). Collection method: clinical testing. Allele origin: germline.
Comment: This sequence change replaces asparagine, which is neutral and polar, with isoleucine, which is neutral and non-polar, at codon 252 of the FAS protein (p.Asn252Ile). This variant is not present in population databases (gnomAD no frequency). This missense change has been observed in individual(s) with autoimmune lymphoproliferative syndrome (PMID: 35753512; Invitae). Advanced modeling of protein sequence and biophysical properties (such as structural, functional, and spatial information, amino acid conservation, physicochemical variation, residue mobility, and thermodynamic stability) performed at Invitae indicates that this missense variant is expected to disrupt FAS protein function with a positive predictive value of 80%. In summary, the available evidence is currently insufficient to determine the role of this variant in disease. Therefore, it has been classified as a Variant of Uncertain Significance.

Literature cited by the submitters: PubMed 35753512.

NM_000043.6(FAS):c.755A>T (p.Asn252Ile)

Gene: FAS (Fas cell surface death receptor; plus strand). Cytogenetic location: 10q23.31.
Variant type: single nucleotide variant.
Coding change: c.755A>T on transcript NM_000043.6 (MANE Select); coding-DNA position 755, A replaced by T.
Protein change: p.Asn252Ile; replaces asparagine 252 with isoleucine.
Molecular consequence: missense variant. On other transcripts: 3 prime UTR variant (2), non-coding transcript variant (7).
Genome position (GRCh38, 1-based): chr10:89,014,197, A>T. VCF-style: chr10-89014197-A-T. GRCh37 (hg19) VCF-style: chr10-90773954-A-T.
Other names: c.*78A>T (NM_001320619.2); c.800A>T, p.Asn267Ile (NM_001410956.1); c.692A>T, p.Asn231Ile (NM_152871.4); c.*67A>T (NM_152872.4); short protein forms N267I, N231I, N252I.
Identifiers: ClinVar variation 3645811 (VCV003645811.2).